The following is an entry in ClinVar:

ClinVar aggregate classification (germline): Uncertain significance (1 of 4 stars; one submission).

Submission:

Labcorp Genetics (formerly Invitae), Labcorp
Classification: Uncertain significance. Last evaluated: 2023-04-28. Review status: criteria provided, single submitter. Criteria: Invitae Variant Classification Sherloc (09022015). Collection method: clinical testing. Allele origin: germline.
Comment: In summary, the available evidence is currently insufficient to determine the role of this variant in disease. Therefore, it has been classified as a Variant of Uncertain Significance. Algorithms developed to predict the effect of sequence changes on RNA splicing suggest that this variant may disrupt the consensus splice site. ClinVar contains an entry for this variant (Variation ID: 1403545). This variant has not been reported in the literature in individuals affected with CLCN6-related conditions. This variant is not present in population databases (gnomAD no frequency). This sequence change creates a premature translational stop signal (p.Leu195Serfs*9) in the CLCN6 gene. It is expected to result in an absent or disrupted protein product. However, the current clinical and genetic evidence is not sufficient to establish whether loss-of-function variants in CLCN6 cause disease.

NC_000001.11:g.11824487del

Gene: CLCN6 (chloride voltage-gated channel 6; plus strand). Cytogenetic location: 1p36.22.
Variant type: Deletion.
Genome position: GRCh38 VCF-style: chr1-11824484-AG-A. GRCh37 (hg19) VCF-style: chr1-11884541-AG-A.
Identifiers: ClinVar variation 1403545 (VCV001403545.6), dbSNP rs2100633919, ClinGen allele CA2573130720.